The following is an entry in ClinVar:

ClinVar aggregate classification (germline): Likely pathogenic. Review status: criteria provided, multiple submitters, no conflicts (2 of 4 stars). 3 submissions from 3 submitters: Likely pathogenic (3). Last evaluated 2025-07-29.

Conditions:
Hereditary cancer-predisposing syndrome. Also called: Tumor predisposition; Hereditary neoplastic syndrome; Neoplastic Syndromes, Hereditary; Hereditary Cancer Syndrome. Identifiers: Orphanet 140162, MedGen C0027672, MeSH D009386, MONDO:0015356.
Familial cancer of breast. Also called: Hereditary breast cancer; BREAST CANCER, FAMILIAL; hereditary breast carcinoma. Identifiers: Orphanet 227535, MedGen C0346153, MONDO:0016419, OMIM 114480. Disease mechanism: loss of function.

Allele frequency attached by ClinVar (database versions not stated): gnomAD exomes below 0.00001.
gnomAD v4.1: 1 of 1,613,460 alleles (0.000062%); highest among the groups gnomAD compares: Non-Finnish European, 0.000085%; no homozygotes.

Submissions (3):

Ambry Genetics
Classification: Likely pathogenic for Hereditary cancer-predisposing syndrome. Last evaluated: 2025-07-29. Review status: criteria provided, single submitter. Criteria: Ambry Variant Classification Scheme 2023. Collection method: clinical testing. Allele origin: germline.
Comment: The c.1396-1G>T intronic variant results from a G to T substitution one nucleotide upstream from coding exon 6 of the BARD1 gene. This variant is considered to be rare based on population cohorts in the Genome Aggregation Database (gnomAD). This nucleotide position is highly conserved in available vertebrate species. In silico splice site analysis predicts that this alteration will weaken the native splice acceptor site and will result in the creation or strengthening of a novel splice acceptor site. Alterations that disrupt the canonical splice site are expected to cause aberrant splicing, resulting in an abnormal protein or a transcript that is subject to nonsense-mediated mRNA decay. RNA studies have demonstrated that this alteration results in abnormal splicing in the set of samples tested (Ambry internal data). As such, this alteration is classified as likely pathogenic.

Labcorp Genetics (formerly Invitae), Labcorp
Classification: Likely pathogenic for Familial cancer of breast. Last evaluated: 2025-04-17. Review status: criteria provided, single submitter. Criteria: Invitae Variant Classification Sherloc (09022015). Collection method: clinical testing. Allele origin: germline.
Comment: This sequence change affects an acceptor splice site in intron 5 of the BARD1 gene. It is expected to disrupt RNA splicing. Variants that disrupt the donor or acceptor splice site typically lead to a loss of protein function (PMID: 16199547), and loss-of-function variants in BARD1 are known to be pathogenic (PMID: 20077502, 21344236). This variant is not present in population databases (gnomAD no frequency). Disruption of this splice site has been observed in individual(s) with breast cancer (PMID: 30130155, 31036035). ClinVar contains an entry for this variant (Variation ID: 2583260). Algorithms developed to predict the effect of sequence changes on RNA splicing suggest that this variant may disrupt the consensus splice site. In summary, the currently available evidence indicates that the variant is pathogenic, but additional data are needed to prove that conclusively. Therefore, this variant has been classified as Likely Pathogenic.

Myriad Genetics, Inc.
Classification: Likely pathogenic for Familial cancer of breast. Last evaluated: 2023-05-23. Review status: criteria provided, single submitter. Criteria: Myriad Autosomal Dominant, Autosomal Recessive and X-Linked Classification Criteria (2023). Collection method: clinical testing. Allele origin: unknown.
Comment: This variant is considered likely pathogenic. This variant occurs within a consensus splice junction and is predicted to result in abnormal mRNA splicing of either an out-of-frame exon or an in-frame exon necessary for protein stability and/or normal function.

Literature cited by the submitters: PubMed 16199547 (cited by Labcorp Genetics (formerly Invitae), Labcorp); PubMed 20077502 (cited by Labcorp Genetics (formerly Invitae), Labcorp); PubMed 21344236 (cited by Labcorp Genetics (formerly Invitae), Labcorp); PubMed 30130155 (cited by Labcorp Genetics (formerly Invitae), Labcorp); PubMed 31036035 (cited by Labcorp Genetics (formerly Invitae), Labcorp).

NM_000465.4(BARD1):c.1396-1G>T

Gene: BARD1 (BRCA1 associated RING domain 1; minus strand). Cytogenetic location: 2q35.
Variant type: single nucleotide variant.
Coding change: c.1396-1G>T on transcript NM_000465.4 (MANE Select); the canonical splice acceptor site of the intron before coding-DNA position 1396, G replaced by T.
Molecular consequence: splice acceptor variant. On other transcripts: intron variant (3).
Genome position (GRCh38, 1-based): chr2:214,767,655, C>A on the plus strand (G>T on the coding strand, the complement: BARD1 is on the minus strand). VCF-style: chr2-214767655-C-A. GRCh37 (hg19) VCF-style: chr2-215632379-C-A.
Other names: c.159-15100G>T (NM_001282548.2); c.1339-1G>T (NM_001282543.2); c.216-15100G>T (NM_001282545.2); c.364+24642G>T (NM_001282549.2); c.1396-1G>T (NM_000465.2).
Identifiers: ClinVar variation 2583260 (VCV002583260.4), dbSNP rs2106077292, ClinGen allele CA350448963.
Genomic context (GRCh38, chr2:214,767,655, plus strand): 5'-TGCCTTATGCTGGAGCAATAATTCCACTACCTTCAGGTGCCCATGATTGCAAGCTTCATG[C>A]TAATTAAATTTTTTGAAAAAGAAGTGAAAGAAGTGATAAGAAAGAGCAATGGATGATATT-3'